The following is an entry in ClinVar:

NM_153026.3(PRICKLE1):c.1298A>G (p.Asn433Ser)

Gene: PRICKLE1 (prickle planar cell polarity protein 1; minus strand). Cytogenetic location: 12q12.
Variant type: single nucleotide variant.
Coding change: c.1298A>G on transcript NM_153026.3 (MANE Select); coding-DNA position 1298, A replaced by G.
Protein change: p.Asn433Ser; replaces asparagine 433 with serine.
Molecular consequence: missense variant.
Genome position (GRCh38, 1-based): chr12:42,464,736, T>C on the plus strand (A>G on the coding strand, the complement: PRICKLE1 is on the minus strand). VCF-style: chr12-42464736-T-C. GRCh37 (hg19) VCF-style: chr12-42858538-T-C.
Other names: c.1298A>G, p.Asn433Ser (NM_001144881.2, NM_001144882.2, NM_001144883.2); short protein forms N433S.
Identifiers: ClinVar variation 950847 (VCV000950847.7), dbSNP rs748766846, ClinGen allele CA6519775.

ClinVar aggregate classification (germline): Uncertain significance (1 of 4 stars; one submission).

Conditions:
Epilepsy, progressive myoclonic, 1B. Also called: PME. Identifiers: Orphanet 308, MedGen C2676254, MONDO:0012904, OMIM 612437.

Allele frequency attached by ClinVar (database versions not stated): ExAC 0.00001; gnomAD exomes 0.00001; gnomAD 0.00003; TOPMed 0.00003.
gnomAD v4.1: 13 of 1,614,014 alleles (0.00081%); highest among the groups gnomAD compares: Admixed American, 0.0067%; no homozygotes.

Submission:

Labcorp Genetics (formerly Invitae), Labcorp
Classification: Uncertain significance for Epilepsy, progressive myoclonic, 1B. Last evaluated: 2024-10-22. Review status: criteria provided, single submitter. Criteria: Invitae Variant Classification Sherloc (09022015). Collection method: clinical testing. Allele origin: germline.
Comment: This sequence change replaces asparagine, which is neutral and polar, with serine, which is neutral and polar, at codon 433 of the PRICKLE1 protein (p.Asn433Ser). This variant is not present in population databases (gnomAD no frequency). This variant has not been reported in the literature in individuals affected with PRICKLE1-related conditions. ClinVar contains an entry for this variant (Variation ID: 950847). Invitae Evidence Modeling of protein sequence and biophysical properties (such as structural, functional, and spatial information, amino acid conservation, physicochemical variation, residue mobility, and thermodynamic stability) indicates that this missense variant is not expected to disrupt PRICKLE1 protein function with a negative predictive value of 80%. In summary, the available evidence is currently insufficient to determine the role of this variant in disease. Therefore, it has been classified as a Variant of Uncertain Significance.